The following is an entry in ClinVar:

NM_152328.5(ADSS1):c.208G>A (p.Gly70Ser)

Gene: ADSS1 (adenylosuccinate synthase 1; plus strand). Cytogenetic location: 14q32.33.
Variant type: single nucleotide variant.
Coding change: c.208G>A on transcript NM_152328.5 (MANE Select); coding-DNA position 208, G replaced by A.
Protein change: p.Gly70Ser; replaces glycine 70 with serine.
Molecular consequence: missense variant. On other transcripts: 5 prime UTR variant (1).
Genome position (GRCh38, 1-based): chr14:104,735,035, G>A. VCF-style: chr14-104735035-G-A. GRCh37 (hg19) VCF-style: chr14-105201372-G-A.
Other names: c.-391G>A (NM_001320424.1); c.337G>A, p.Gly113Ser (NM_199165.2); short protein forms G113S, G70S.
Identifiers: ClinVar variation 1681904 (VCV001681904.6), dbSNP rs778086673, ClinGen allele CA7373554.

ClinVar aggregate classification (germline): Uncertain significance. Review status: criteria provided, multiple submitters, no conflicts (2 of 4 stars). 2 submissions from 2 submitters: Uncertain significance (2). Last evaluated 2026-07-01.

Allele frequency attached by ClinVar (database versions not stated): ExAC 0.00001; gnomAD 0.00001; gnomAD exomes 0.00001; TOPMed 0.00002.
gnomAD v4.1: 11 of 1,613,054 alleles (0.00068%); highest among the groups gnomAD compares: East Asian, 0.0022%; no homozygotes.

Submissions (2):

CeGaT Center for Human Genetics Tuebingen
Classification: Uncertain significance. Last evaluated: 2026-07-01. Review status: criteria provided, single submitter. Criteria: CeGaT Center For Human Genetics Tuebingen Variant Classification Criteria Version 2. Collection method: clinical testing. Allele origin: germline. Affected: yes. Observed: 1 variant allele.
Comment: ADSS1: PM2, PP3

Labcorp Genetics (formerly Invitae), Labcorp
Classification: Uncertain significance. Last evaluated: 2021-09-17. Review status: criteria provided, single submitter. Criteria: Invitae Variant Classification Sherloc (09022015). Collection method: clinical testing. Allele origin: germline.
Comment: This sequence change replaces glycine with serine at codon 113 of the ADSSL1 protein (p.Gly113Ser). There is a small physicochemical difference between glycine and serine. This variant is present in population databases (rs778086673, ExAC 0.002%). This variant has not been reported in the literature in individuals with ADSSL1-related conditions. Algorithms developed to predict the effect of missense changes on protein structure and function are either unavailable or do not agree on the potential impact of this missense change (SIFT: "Not Available"; PolyPhen-2: "Probably Damaging"; Align-GVGD: "Not Available"). In summary, the available evidence is currently insufficient to determine the role of this variant in disease. Therefore, it has been classified as a Variant of Uncertain Significance.